The following is an entry in ClinVar:

NM_002474.3(MYH11):c.2063G>A (p.Gly688Asp)

Gene: MYH11 (myosin heavy chain 11; minus strand). Cytogenetic location: 16p13.11.
Variant type: single nucleotide variant.
Coding change: c.2063G>A on transcript NM_002474.3 (MANE Select); coding-DNA position 2063, G replaced by A.
Protein change: p.Gly688Asp; replaces glycine 688 with aspartic acid.
Molecular consequence: missense variant.
Genome position (GRCh38, 1-based): chr16:15,748,164, C>T on the plus strand (G>A on the coding strand, the complement: MYH11 is on the minus strand). VCF-style: chr16-15748164-C-T. GRCh37 (hg19) VCF-style: chr16-15842021-C-T.
Other names: c.2084G>A, p.Gly695Asp (NM_001040113.2, NM_001040114.2); c.2063G>A, p.Gly688Asp (NM_022844.3); short protein forms G695D, G688D.
Identifiers: ClinVar variation 2496718 (VCV002496718.2), dbSNP rs2506275195, ClinGen allele CA394868300.

ClinVar aggregate classification (germline): Uncertain significance (1 of 4 stars; one submission).

Conditions:
Familial thoracic aortic aneurysm and aortic dissection (TAAD). Also called: Thoracic aortic aneurysms and dissections. Identifiers: Orphanet 91387, MedGen C4707243, MONDO:0019625.

Submission:

Ambry Genetics
Classification: Uncertain significance for Familial thoracic aortic aneurysm and aortic dissection. Last evaluated: 2022-11-04. Review status: criteria provided, single submitter. Criteria: Ambry Variant Classification Scheme 2023. Collection method: clinical testing. Allele origin: germline.
Comment: The p.G688D variant (also known as c.2063G>A), located in coding exon 16 of the MYH11 gene, results from a G to A substitution at nucleotide position 2063. The glycine at codon 688 is replaced by aspartic acid, an amino acid with similar properties. This amino acid position is conserved. In addition, this alteration is predicted to be deleterious by in silico analysis. Since supporting evidence is limited at this time, the clinical significance of this alteration remains unclear.